The following is an entry in ClinVar:

ClinVar aggregate classification (germline): Uncertain significance (1 of 4 stars; one submission).

gnomAD v4.1: 1 of 1,614,142 alleles (0.000062%); highest among the groups gnomAD compares: Non-Finnish European, 0.000085%; no homozygotes.

Submission:

Labcorp Genetics (formerly Invitae), Labcorp
Classification: Uncertain significance. Last evaluated: 2023-06-29. Review status: criteria provided, single submitter. Criteria: Invitae Variant Classification Sherloc (09022015). Collection method: clinical testing. Allele origin: germline.
Comment: In summary, the available evidence is currently insufficient to determine the role of this variant in disease. Therefore, it has been classified as a Variant of Uncertain Significance. This sequence change replaces valine, which is neutral and non-polar, with leucine, which is neutral and non-polar, at codon 1228 of the ARFGEF2 protein (p.Val1228Leu). This variant is not present in population databases (gnomAD no frequency). This variant has not been reported in the literature in individuals affected with ARFGEF2-related conditions. ClinVar contains an entry for this variant (Variation ID: 2070698). An algorithm developed to predict the effect of missense changes on protein structure and function (PolyPhen-2) suggests that this variant is likely to be disruptive.

NM_006420.3(ARFGEF2):c.3682G>T (p.Val1228Leu)

Gene: ARFGEF2 (ARF guanine nucleotide exchange factor 2; plus strand). Cytogenetic location: 20q13.13.
Variant type: single nucleotide variant.
Coding change: c.3682G>T on transcript NM_006420.3 (MANE Select); coding-DNA position 3682, G replaced by T.
Protein change: p.Val1228Leu; replaces valine 1228 with leucine.
Molecular consequence: missense variant.
Genome position (GRCh38, 1-based): chr20:49,010,329, G>T. VCF-style: chr20-49010329-G-T. GRCh37 (hg19) VCF-style: chr20-47626866-G-T.
Other names: c.3679G>T, p.Val1227Leu (NM_001410846.1); short protein forms V1227L, V1228L.
Identifiers: ClinVar variation 2070698 (VCV002070698.4), dbSNP rs775296325, ClinGen allele CA409321213.